The following is an entry in ClinVar:

NM_001004356.3(FGFRL1):c.1159G>A (p.Ala387Thr)

Gene: FGFRL1 (fibroblast growth factor receptor like 1; plus strand). Cytogenetic location: 4p16.3.
Variant type: single nucleotide variant.
Coding change: c.1159G>A on transcript NM_001004356.3 (MANE Select); coding-DNA position 1159, G replaced by A.
Protein change: p.Ala387Thr; replaces alanine 387 with threonine.
Molecular consequence: missense variant.
Genome position (GRCh38, 1-based): chr4:1,024,991, G>A. VCF-style: chr4-1024991-G-A. GRCh37 (hg19) VCF-style: chr4-1018779-G-A.
Other names: c.1159G>A (NM_001004356.2); c.1159G>A, p.Ala387Thr (NM_001004358.1, NM_001370296.1, NM_021923.3); short protein forms A387T.
Identifiers: ClinVar variation 2968994 (VCV002968994.4), dbSNP rs202037959, ClinGen allele CA2803021.
Genomic context (GRCh38, chr4:1,024,991, plus strand): 5'-GCCTCCTCGTCCTCGGCCACTAGCCTGCCGTGGCCCGTGGTCATCGGCATCCCAGCCGGC[G>A]CTGTCTTCATCCTGGGCACCCTGCTCCTGTGGCTTTGCCAGGCCCAGAAGAAGCCGTGCA-3'
Protein context (NP_001004356.1, residues 377-397): WPVVIGIPAG[Ala387Thr]VFILGTLLLW

ClinVar aggregate classification (germline): Uncertain significance. Review status: criteria provided, multiple submitters, no conflicts (2 of 4 stars). 2 submissions from 2 submitters: Uncertain significance (2). Last evaluated 2024-07-15.

Allele frequency attached by ClinVar (database versions not stated): gnomAD 0.00001; TOPMed 0.00002; ExAC 0.00007.
gnomAD v4.1: 28 of 1,610,206 alleles (0.0017%); highest among the groups gnomAD compares: Admixed American, 0.0067%; no homozygotes.

Submissions (2):

Ambry Genetics
Classification: Uncertain significance. Last evaluated: 2024-07-15. Review status: criteria provided, single submitter. Criteria: Ambry Variant Classification Scheme 2023. Collection method: clinical testing. Allele origin: germline.

Labcorp Genetics (formerly Invitae), Labcorp
Classification: Uncertain significance. Last evaluated: 2023-12-20. Review status: criteria provided, single submitter. Criteria: Invitae Variant Classification Sherloc (09022015). Collection method: clinical testing. Allele origin: germline.
Comment: This sequence change replaces alanine, which is neutral and non-polar, with threonine, which is neutral and polar, at codon 387 of the FGFRL1 protein (p.Ala387Thr). This variant is present in population databases (rs202037959, gnomAD 0.009%). This variant has not been reported in the literature in individuals affected with FGFRL1-related conditions. An algorithm developed to predict the effect of missense changes on protein structure and function (PolyPhen-2) suggests that this variant is likely to be disruptive. In summary, the available evidence is currently insufficient to determine the role of this variant in disease. Therefore, it has been classified as a Variant of Uncertain Significance.